The following is an entry in ClinVar:

NM_003274.5(TRAPPC10):c.2827G>A (p.Val943Ile)

Gene: TRAPPC10 (trafficking protein particle complex subunit 10; plus strand). Cytogenetic location: 21q22.3.
Variant type: single nucleotide variant.
Coding change: c.2827G>A on transcript NM_003274.5 (MANE Select); coding-DNA position 2827, G replaced by A.
Protein change: p.Val943Ile; replaces valine 943 with isoleucine.
Molecular consequence: missense variant.
Genome position (GRCh38, 1-based): chr21:44,089,890, G>A. VCF-style: chr21-44089890-G-A. GRCh37 (hg19) VCF-style: chr21-45509771-G-A.
Other names: c.1426G>A, p.Val476Ile (NM_001351709.1); short protein forms V476I, V943I.
Identifiers: ClinVar variation 2626978 (VCV002626978.1), dbSNP rs146810291, ClinGen allele CA10050961.

ClinVar aggregate classification (germline): Uncertain significance (1 of 4 stars; one submission).

Allele frequency attached by ClinVar (database versions not stated): TOPMed 0.00004; gnomAD 0.00007; gnomAD exomes 0.00007; ESP Exome Variant Server 0.00008; ExAC 0.00012; 1000 Genomes Project 30x 0.00016; 1000 Genomes Project 0.00020.
gnomAD v4.1: 116 of 1,613,764 alleles (0.0072%); highest among the groups gnomAD compares: African/African-American, 0.019%; no homozygotes.

Submission:

Greenwood Genetic Center Diagnostic Laboratories, Greenwood Genetic Center
Classification: Uncertain significance. Last evaluated: 2023-07-10. Review status: criteria provided, single submitter. Criteria: ACMG Guidelines, 2015. Collection method: clinical testing. Allele origin: germline. Affected: yes.
Comment: PM2